The following is an entry in ClinVar:

ClinVar aggregate classification (germline): Uncertain significance (1 of 4 stars; one submission).

gnomAD v4.1: 6 of 1,614,038 alleles (0.00037%); highest among the groups gnomAD compares: Non-Finnish European, 0.00051%; no homozygotes.

Submission:

Labcorp Genetics (formerly Invitae), Labcorp
Classification: Uncertain significance. Last evaluated: 2025-04-26. Review status: criteria provided, single submitter. Criteria: Invitae Variant Classification Sherloc (09022015). Collection method: clinical testing. Allele origin: germline.
Comment: This sequence change replaces isoleucine, which is neutral and non-polar, with threonine, which is neutral and polar, at codon 406 of the KMT2A protein (p.Ile406Thr). This variant is not present in population databases (gnomAD no frequency). This variant has not been reported in the literature in individuals affected with KMT2A-related conditions. Invitae Evidence Modeling of protein sequence and biophysical properties (such as structural, functional, and spatial information, amino acid conservation, physicochemical variation, residue mobility, and thermodynamic stability) indicates that this missense variant is expected to disrupt KMT2A protein function with a positive predictive value of 80%. In summary, the available evidence is currently insufficient to determine the role of this variant in disease. Therefore, it has been classified as a Variant of Uncertain Significance.

NM_001197104.2(KMT2A):c.1217T>C (p.Ile406Thr)

Gene: KMT2A (lysine methyltransferase 2A; plus strand). Cytogenetic location: 11q23.3.
Variant type: single nucleotide variant.
Coding change: c.1217T>C on transcript NM_001197104.2 (MANE Select); coding-DNA position 1217, T replaced by C.
Protein change: p.Ile406Thr; replaces isoleucine 406 with threonine.
Molecular consequence: missense variant.
Genome position (GRCh38, 1-based): chr11:118,472,376, T>C. VCF-style: chr11-118472376-T-C. GRCh37 (hg19) VCF-style: chr11-118343091-T-C.
Other names: c.1316T>C, p.Ile439Thr (NM_001412597.1); c.1217T>C, p.Ile406Thr (NM_005933.4); short protein forms I439T, I406T.
Identifiers: ClinVar variation 4768941 (VCV004768941.1).